The following is an entry in ClinVar:

NM_014141.6(CNTNAP2):c.2342A>G (p.Glu781Gly)

Gene: CNTNAP2 (contactin associated protein 2; plus strand). Cytogenetic location: 7q35.
Variant type: single nucleotide variant.
Coding change: c.2342A>G on transcript NM_014141.6 (MANE Select); coding-DNA position 2342, A replaced by G.
Protein change: p.Glu781Gly; replaces glutamic acid 781 with glycine.
Molecular consequence: missense variant.
Genome position (GRCh38, 1-based): chr7:147,977,948, A>G. VCF-style: chr7-147977948-A-G. GRCh37 (hg19) VCF-style: chr7-147675040-A-G.
Other names: short protein forms E781G.
Identifiers: ClinVar variation 2841002 (VCV002841002.3), dbSNP rs2536389661, ClinGen allele CA369927730.

ClinVar aggregate classification (germline): Uncertain significance (1 of 4 stars; one submission).

Conditions:
Cortical dysplasia-focal epilepsy syndrome (PTHSL1). Also called: Pitt-Hopkins-like syndrome 1. Identifiers: Orphanet 163681, Orphanet 221150, MedGen C2750246, MONDO:0012400, OMIM 610042.

Submission:

Labcorp Genetics (formerly Invitae), Labcorp
Classification: Uncertain significance for Cortical dysplasia-focal epilepsy syndrome. Last evaluated: 2023-03-08. Review status: criteria provided, single submitter. Criteria: Invitae Variant Classification Sherloc (09022015). Collection method: clinical testing. Allele origin: germline.
Comment: An algorithm developed to predict the effect of missense changes on protein structure and function (PolyPhen-2) suggests that this variant is likely to be disruptive. This variant has not been reported in the literature in individuals affected with CNTNAP2-related conditions. This variant is not present in population databases (gnomAD no frequency). This sequence change replaces glutamic acid, which is acidic and polar, with glycine, which is neutral and non-polar, at codon 781 of the CNTNAP2 protein (p.Glu781Gly). In summary, the available evidence is currently insufficient to determine the role of this variant in disease. Therefore, it has been classified as a Variant of Uncertain Significance.